The following is an entry in ClinVar:

ClinVar aggregate classification (germline): Uncertain significance. Review status: criteria provided, multiple submitters, no conflicts (2 of 4 stars). 4 submissions from 4 submitters: Uncertain significance (4). Last evaluated 2025-11-10.

Conditions:
FBN2-related disorder. Also called: FBN2-related condition.
Congenital contractural arachnodactyly (CCA). Also called: Arthrogryposis, distal, type 9; BEALS SYNDROME; Beals-Hecht syndrome. Identifiers: Orphanet 115, MedGen C0220668, MONDO:0007363, OMIM 121050.
Familial thoracic aortic aneurysm and aortic dissection (TAAD). Also called: Thoracic aortic aneurysms and dissections. Identifiers: Orphanet 91387, MedGen C4707243, MONDO:0019625.

Submissions (4):

PreventionGenetics, part of Exact Sciences
Classification: Uncertain significance for FBN2-related condition. Last evaluated: 2025-11-10. Review status: criteria provided, single submitter. Criteria: ACMG Guidelines, 2015. Collection method: clinical testing. Allele origin: germline.
Comment: The FBN2 c.1804delT variant is predicted to result in a frameshift and premature protein termination (p.Cys602Alafs*7). This variant was reported in an individual with thoracic aortic aneurysms and dissections (Table S3, LaDuca et al. 2017. PubMed ID: 28152038). This variant has not been reported in a large population database, indicating this variant is rare. The majority of disease-causing variants in FBN2 are missense. A relatively smaller number of premature termination variants have been associated with disease, but this mechanism is not definitively established. At this time, the clinical significance of this variant is uncertain due to the absence of conclusive functional and genetic evidence.

Ambry Genetics
Classification: Uncertain significance for Familial thoracic aortic aneurysm and aortic dissection. Last evaluated: 2024-08-26. Review status: criteria provided, single submitter. Criteria: Ambry Variant Classification Scheme 2023. Collection method: clinical testing. Allele origin: germline.
Comment: The c.1804delT variant, located in coding exon 13 of the FBN2 gene, results from a deletion of one nucleotide at nucleotide position 1804, causing a translational frameshift with a predicted alternate stop codon (p.C602Afs*7). This alteration is expected to result in protein truncation or nonsense-mediated mRNA decay. However, loss of function of FBN2 has not been established as a mechanism of disease. Based on the available evidence, the clinical significance of this alteration remains unclear.

GeneDx
Classification: Uncertain significance. Last evaluated: 2024-02-20. Review status: criteria provided, single submitter. Criteria: GeneDx Variant Classification Process June 2021. Collection method: clinical testing. Allele origin: germline. Affected: yes.
Comment: Has not been previously published as pathogenic or benign to our knowledge; Not observed at significant frequency in large population cohorts (gnomAD); Frameshift variant predicted to result in protein truncation or nonsense mediated decay in a gene or region of a gene for which loss of function is not a well-established mechanism of disease; This variant is associated with the following publications: (PMID: 28152038)

Labcorp Genetics (formerly Invitae), Labcorp
Classification: Uncertain significance for Congenital contractural arachnodactyly. Last evaluated: 2022-11-14. Review status: criteria provided, single submitter. Criteria: Invitae Variant Classification Sherloc (09022015). Collection method: clinical testing. Allele origin: germline.
Comment: This sequence change creates a premature translational stop signal (p.Cys602Alafs*7) in the FBN2 gene. It is expected to result in an absent or disrupted protein product. However, the current clinical and genetic evidence is not sufficient to establish whether loss-of-function variants in FBN2 cause disease. This variant is not present in population databases (gnomAD no frequency). This variant has not been reported in the literature in individuals affected with FBN2-related conditions. ClinVar contains an entry for this variant (Variation ID: 263489). In summary, the available evidence is currently insufficient to determine the role of this variant in disease. Therefore, it has been classified as a Variant of Uncertain Significance.

NM_001999.4(FBN2):c.1804del (p.Cys602fs)

Gene: FBN2 (fibrillin 2; minus strand). Cytogenetic location: 5q23.3.
Variant type: Deletion.
Coding change: c.1804del on transcript NM_001999.4 (MANE Select); coding-DNA position 1804, one base deleted (T; older notation c.1804delT).
Protein change: p.Cys602fs; shifts the reading frame from cysteine 602.
Molecular consequence: frameshift variant.
Genome position (GRCh38, 1-based): chr5:128,377,797, A deleted on the plus strand (T on the coding strand, the reverse complement: FBN2 is on the minus strand); the first of 3 consecutive A bases (chr5:128,377,797-128,377,799); deleting any one gives the same sequence. VCF-style (leftmost placement, unchanged base first): chr5-128377796-CA-C. GRCh37 (hg19) VCF-style: chr5-127713489-CA-C.
Other names: c.1804delT (NM_001999.3); c.1804del (NM_001999.3); short protein forms C602fs.
Identifiers: ClinVar variation 263489 (VCV000263489.18), dbSNP rs886038824, ClinGen allele CA10587617.